The following is an entry in ClinVar:

NM_001127222.2(CACNA1A):c.5857G>A (p.Gly1953Arg)

Gene: CACNA1A (calcium voltage-gated channel subunit alpha1 A; minus strand). Cytogenetic location: 19p13.13.
Variant type: single nucleotide variant.
Coding change: c.5857G>A on transcript NM_001127222.2 (MANE Select); coding-DNA position 5857, G replaced by A.
Protein change: p.Gly1953Arg; replaces glycine 1953 with arginine.
Molecular consequence: missense variant.
Genome position (GRCh38, 1-based): chr19:13,214,316, C>T on the plus strand (G>A on the coding strand, the complement: CACNA1A is on the minus strand). VCF-style: chr19-13214316-C-T. GRCh37 (hg19) VCF-style: chr19-13325130-C-T.
Other names: c.5875G>A, p.Gly1959Arg (NM_000068.4, NM_023035.3); c.5860G>A, p.Gly1954Arg (NM_001127221.2); c.5866G>A, p.Gly1956Arg (NM_001174080.2); short protein forms G1956R, G1959R, G1953R, G1954R.
Identifiers: ClinVar variation 1440095 (VCV001440095.8), dbSNP rs2144536064, ClinGen allele CA404334186.

ClinVar aggregate classification (germline): Uncertain significance (1 of 4 stars; one submission).

Conditions:
Episodic ataxia type 2 (EA2). Also called: ACETAZOLAMIDE-RESPONSIVE HEREDITARY PAROXYSMAL CEREBELLAR ATAXIA; EPISODIC ATAXIA, NYSTAGMUS-ASSOCIATED; ATAXIA, EPISODIC, WITH NYSTAGMUS; ATAXIA, FAMILIAL PAROXYSMAL; CEREBELLAR ATAXIA, PAROXYSMAL, ACETAZOLAMIDE-RESPONSIVE; CEREBELLOPATHY, HEREDITARY PAROXYSMAL. Identifiers: Orphanet 97, MedGen C1720416, MONDO:0007163, OMIM 108500.
Developmental and epileptic encephalopathy, 42 (DEE42A). Also called: DEVELOPMENTAL AND EPILEPTIC ENCEPHALOPATHY 42A; EPILEPTIC ENCEPHALOPATHY, EARLY INFANTILE, 42A; Epileptic encephalopathy, early infantile, 42. Identifiers: MedGen C4310716, MONDO:0014917, OMIM 617106.

Submission:

Labcorp Genetics (formerly Invitae), Labcorp
Classification: Uncertain significance for Developmental and epileptic encephalopathy, 42; Episodic ataxia type 2. Last evaluated: 2023-08-17. Review status: criteria provided, single submitter. Criteria: Invitae Variant Classification Sherloc (09022015). Collection method: clinical testing. Allele origin: germline.
Comment: This sequence change replaces glycine, which is neutral and non-polar, with arginine, which is basic and polar, at codon 1954 of the CACNA1A protein (p.Gly1954Arg). This variant is not present in population databases (gnomAD no frequency). This variant has not been reported in the literature in individuals affected with CACNA1A-related conditions. ClinVar contains an entry for this variant (Variation ID: 1440095). Advanced modeling of protein sequence and biophysical properties (such as structural, functional, and spatial information, amino acid conservation, physicochemical variation, residue mobility, and thermodynamic stability) performed at Invitae indicates that this missense variant is expected to disrupt CACNA1A protein function. In summary, the available evidence is currently insufficient to determine the role of this variant in disease. Therefore, it has been classified as a Variant of Uncertain Significance.